The following is an entry in ClinVar:

NM_002617.4(PEX10):c.92dup (p.Ala32fs)

Gene: PEX10 (peroxisomal biogenesis factor 10; minus strand). Cytogenetic location: 1p36.32.
Variant type: Duplication.
Coding change: c.92dup on transcript NM_002617.4 (MANE Select); coding-DNA position 92, one base duplicated (G; older notation c.92dupG).
Protein change: p.Ala32fs; shifts the reading frame from alanine 32.
Molecular consequence: frameshift variant. On other transcripts: intron variant (2).
Genome position (GRCh38, 1-based): chr1:2,412,411, C duplicated on the plus strand (G on the coding strand, the reverse complement: PEX10 is on the minus strand); the first of 2 consecutive C bases (chr1:2,412,411-2,412,412); duplicating either gives the same sequence. VCF-style (leftmost placement, unchanged base first): chr1-2412410-G-GC. GRCh37 (hg19) VCF-style: chr1-2343849-G-GC.
Other names: c.92dup, p.Ala32fs (NM_001374425.1, NM_153818.2); c.-321+1186dup (NM_001374427.1, NM_001374426.1); short protein forms A32fs.
Identifiers: ClinVar variation 5012168 (VCV005012168.1).
Genomic context (GRCh38, chr1:2,412,410, plus strand): 5'-TGGGCCGCTCGCGAGGACGTCCGGCCGCGCCCGGCCCTCACCCGCCAGGCTGTGCAGGGC[G>GC]CCGCCCGCCGCGCTCCGCAGCCCACCGCGGTAGTACTCGTCCTTCTGCGCCGCGCGGATC-3'

ClinVar aggregate classification (germline): Pathogenic (1 of 4 stars; one submission).

Conditions:
Peroxisome biogenesis disorder. Identifiers: Orphanet 79189, MedGen C1832200, MONDO:0019234. Disease mechanism: loss of function.

Submission:

Myriad Genetics, Inc.
Classification: Pathogenic for Peroxisome biogenesis disorder. Last evaluated: 2023-09-27. Review status: criteria provided, single submitter. Criteria: Myriad Autosomal Dominant, Autosomal Recessive and X-Linked Classification Criteria (2023). Collection method: clinical testing. Allele origin: unknown.
Comment: NM_153818.1(PEX10):c.92dupG(A32Rfs*19) is expected to be pathogenic in the context of peroxisome biogenesis disorder type 6. This variant is predicted to lead to an abnormal or absent protein product due to the creation of a premature termination codon in PEX10, a gene where loss-of-function variants are known to be pathogenic. Please note: this variant was assessed in the context of healthy population screening.